The following is an entry in ClinVar:

NM_001035.3(RYR2):c.8503A>G (p.Arg2835Gly)

Gene: RYR2 (ryanodine receptor 2; plus strand). Cytogenetic location: 1q43.
Variant type: single nucleotide variant.
Coding change: c.8503A>G on transcript NM_001035.3 (MANE Select); coding-DNA position 8503, A replaced by G.
Protein change: p.Arg2835Gly; replaces arginine 2835 with glycine.
Molecular consequence: missense variant.
Genome position (GRCh38, 1-based): chr1:237,666,578, A>G. VCF-style: chr1-237666578-A-G. GRCh37 (hg19) VCF-style: chr1-237829878-A-G.
Other names: short protein forms R2835G.
Identifiers: ClinVar variation 1476744 (VCV001476744.7), dbSNP rs2148872889, ClinGen allele CA345402206.

ClinVar aggregate classification (germline): Uncertain significance (1 of 4 stars; one submission).

Conditions:
Catecholaminergic polymorphic ventricular tachycardia 1. Also called: VENTRICULAR TACHYCARDIA, CATECHOLAMINERGIC POLYMORPHIC, 1, WITH OR WITHOUT ATRIAL DYSFUNCTION AND/OR DILATED CARDIOMYOPATHY; RYR2-Related Catecholaminergic Polymorphic Ventricular Tachycardia; VENTRICULAR TACHYCARDIA, STRESS-INDUCED POLYMORPHIC 1. Identifiers: Orphanet 3286, MedGen C1631597, MONDO:0011484, OMIM 604772.

gnomAD v4.1: 2 of 1,612,042 alleles (0.00012%); highest among the groups gnomAD compares: Non-Finnish European, 0.00017%; no homozygotes.

Submission:

Labcorp Genetics (formerly Invitae), Labcorp
Classification: Uncertain significance for Catecholaminergic polymorphic ventricular tachycardia 1. Last evaluated: 2021-11-14. Review status: criteria provided, single submitter. Criteria: Invitae Variant Classification Sherloc (09022015). Collection method: clinical testing. Allele origin: germline.
Comment: Algorithms developed to predict the effect of missense changes on protein structure and function (SIFT, PolyPhen-2, Align-GVGD) all suggest that this variant is likely to be disruptive. This sequence change replaces arginine, which is basic and polar, with glycine, which is neutral and non-polar, at codon 2835 of the RYR2 protein (p.Arg2835Gly). This variant is not present in population databases (gnomAD no frequency). This variant has not been reported in the literature in individuals affected with RYR2-related conditions. In summary, the available evidence is currently insufficient to determine the role of this variant in disease. Therefore, it has been classified as a Variant of Uncertain Significance.